The following is an entry in ClinVar:

NM_001374736.1(DST):c.12430A>G (p.Thr4144Ala)

Genes: DST (dystonin; minus strand), LOC129996656 (ATAC-STARR-seq lymphoblastoid active region 24702; plus strand). Cytogenetic location: 6p12.1.
Variant type: single nucleotide variant.
Coding change: c.12430A>G on transcript NM_001374736.1 (MANE Select); coding-DNA position 12430, A replaced by G.
Protein change: p.Thr4144Ala; replaces threonine 4144 with alanine.
Molecular consequence: missense variant.
Genome position (GRCh38, 1-based): chr6:56,593,959, T>C on the plus strand (A>G on the coding strand, the complement: DST is on the minus strand). VCF-style: chr6-56593959-T-C. GRCh37 (hg19) VCF-style: chr6-56458757-T-C.
Other names: c.6073A>G, p.Thr2025Ala (NM_001144769.5); c.5659A>G, p.Thr1887Ala (NM_001144770.2); c.12430A>G, p.Thr4144Ala (NM_001374722.1); c.11797A>G, p.Thr3933Ala (NM_001374729.1); c.5539A>G, p.Thr1847Ala (NM_001374730.1, NM_001386100.1, NM_183380.4); c.12457A>G, p.Thr4153Ala (NM_001374734.1); c.4561A>G, p.Thr1521Ala (NM_015548.5); short protein forms T1847A, T1521A, T1887A, T3933A, T4144A, T4153A, T2025A.
Identifiers: ClinVar variation 2153787 (VCV002153787.4), dbSNP rs370623639, ClinGen allele CA3868453.

ClinVar aggregate classification (germline): Uncertain significance (1 of 4 stars; one submission).

Conditions:
Hereditary sensory and autonomic neuropathy type 6. Also called: HSAN VI; Neuropathy, hereditary sensory and autonomic, type VI. Identifiers: Orphanet 314381, MedGen C3539003, MONDO:0013839, OMIM 614653.
Epidermolysis bullosa simplex 3, localized or generalized intermediate, with BP230 deficiency (EBS3). Also called: Epidermolysis bullosa simplex due to BP230 deficiency; Epidermolysis bullosa simplex, autosomal recessive 2. Identifiers: Orphanet 412181, MedGen C3809470, MONDO:0014180, OMIM 615425.

Allele frequency attached by ClinVar (database versions not stated): gnomAD exomes below 0.00001; ExAC 0.00001; ESP Exome Variant Server 0.00008.
gnomAD v4.1: 2 of 1,613,942 alleles (0.00012%); highest among the groups gnomAD compares: Non-Finnish European, 0.00017%; no homozygotes.

Submission:

Labcorp Genetics (formerly Invitae), Labcorp
Classification: Uncertain significance for Epidermolysis bullosa simplex 3, localized or generalized intermediate, with BP230 deficiency; Hereditary sensory and autonomic neuropathy type 6. Last evaluated: 2022-04-12. Review status: criteria provided, single submitter. Criteria: Invitae Variant Classification Sherloc (09022015). Collection method: clinical testing. Allele origin: germline.
Comment: In summary, the available evidence is currently insufficient to determine the role of this variant in disease. Therefore, it has been classified as a Variant of Uncertain Significance. Experimental studies and prediction algorithms are not available or were not evaluated, and the functional significance of this variant is currently unknown. This variant has not been reported in the literature in individuals affected with DST-related conditions. This variant is not present in population databases (gnomAD no frequency). This sequence change replaces threonine, which is neutral and polar, with alanine, which is neutral and non-polar, at codon 1521 of the DST protein (p.Thr1521Ala). The DST gene has multiple clinically relevant transcripts. This variant occurs in alternate transcript NM_015548.4, and corresponds to NM_001723.5:c.*21558A>G in the primary transcript.